The following is an entry in ClinVar:

NM_005188.4(CBL):c.892A>G (p.Thr298Ala)

Gene: CBL (Cbl proto-oncogene; plus strand). Cytogenetic location: 11q23.3.
Variant type: single nucleotide variant.
Coding change: c.892A>G on transcript NM_005188.4 (MANE Select); coding-DNA position 892, A replaced by G.
Protein change: p.Thr298Ala; replaces threonine 298 with alanine.
Molecular consequence: missense variant.
Genome position (GRCh38, 1-based): chr11:119,276,019, A>G. VCF-style: chr11-119276019-A-G. GRCh37 (hg19) VCF-style: chr11-119146729-A-G.
Other names: short protein forms T298A.
Identifiers: ClinVar variation 3662356 (VCV003662356.2).

ClinVar aggregate classification (germline): Uncertain significance (1 of 4 stars; one submission).

Conditions:
RASopathy. Also called: Noonan spectrum disorder; rasopathies. Identifiers: Orphanet 536391, MedGen C5555857, MONDO:0021060.

Submission:

Labcorp Genetics (formerly Invitae), Labcorp
Classification: Uncertain significance for RASopathy. Last evaluated: 2024-05-08. Review status: criteria provided, single submitter. Criteria: Invitae Variant Classification Sherloc (09022015). Collection method: clinical testing. Allele origin: germline.
Comment: This sequence change replaces threonine, which is neutral and polar, with alanine, which is neutral and non-polar, at codon 298 of the CBL protein (p.Thr298Ala). This variant is not present in population databases (gnomAD no frequency). This variant has not been reported in the literature in individuals affected with CBL-related conditions. Advanced modeling of protein sequence and biophysical properties (such as structural, functional, and spatial information, amino acid conservation, physicochemical variation, residue mobility, and thermodynamic stability) has been performed at Invitae for this missense variant, however the output from this modeling did not meet the statistical confidence thresholds required to predict the impact of this variant on CBL protein function. In summary, the available evidence is currently insufficient to determine the role of this variant in disease. Therefore, it has been classified as a Variant of Uncertain Significance.